The following is an entry in ClinVar:

ClinVar aggregate classification (germline): Benign (1 of 4 stars; one submission).

Conditions:
Spinocerebellar ataxia, autosomal recessive, with axonal neuropathy 1 (SCAN1). Identifiers: Orphanet 94124, MedGen C4759870, MONDO:0011801, OMIM 607250.

Allele frequency attached by ClinVar (database versions not stated): gnomAD 0.04277 and 0.04596; 1000 Genomes Project 0.04553; TOPMed 0.04870; 1000 Genomes Project 30x 0.05122.

Submission:

Illumina Laboratory Services, Illumina
Classification: Benign for Spinocerebellar ataxia, autosomal recessive, with axonal neuropathy 1. Last evaluated: 2018-01-12. Review status: criteria provided, single submitter. Criteria: ICSL Variant Classification Criteria 13 December 2019. Collection method: clinical testing. Allele origin: germline.
Comment: This variant was observed in the ICSL laboratory as part of a predisposition screen in an ostensibly healthy population. It had not been previously curated by ICSL or reported in the Human Gene Mutation Database (HGMD: prior to June 1st, 2018), and was therefore a candidate for classification through an automated scoring system. Utilizing variant allele frequency, disease prevalence and penetrance estimates, and inheritance mode, an automated score was calculated to assess if this variant is too frequent to cause the disease. Based on the score and internal cut-off values, a variant classified as benign is not then subjected to further curation. The score for this variant resulted in a classification of benign for this disease.

NM_018319.4(TDP1):c.-177C>T

Gene: TDP1 (tyrosyl-DNA phosphodiesterase 1; plus strand). Cytogenetic location: 14q32.11.
Variant type: single nucleotide variant.
Coding change: c.-177C>T on transcript NM_018319.4 (MANE Select); 177 bases upstream of the start codon, C replaced by T.
Molecular consequence: 5 prime UTR variant. On other transcripts: intron variant (2).
Genome position (GRCh38, 1-based): chr14:89,956,631, C>T. VCF-style: chr14-89956631-C-T. GRCh37 (hg19) VCF-style: chr14-90422975-C-T.
Other names: c.-8+353C>T (NM_001330205.2); c.-8+661C>T (NM_001008744.2).
Identifiers: ClinVar variation 314818 (VCV000314818.5), dbSNP rs35132667, ClinGen allele CA10641229.